The following is an entry in ClinVar:

ClinVar aggregate classification (germline): Likely benign. Review status: criteria provided, multiple submitters, no conflicts (2 of 4 stars). 3 submissions from 3 submitters: Likely benign (3). Last evaluated 2026-01-23.

Conditions:
Severe combined immunodeficiency due to DNA-PKcs deficiency. Also called: IMMUNODEFICIENCY 26 WITH NEUROLOGIC ABNORMALITIES; Immunodeficiency 26 with or without neurologic abnormalities. Identifiers: Orphanet 317425, MedGen C4014833, MONDO:0014423, OMIM 615966.

Allele frequency attached by ClinVar (database versions not stated): TOPMed 0.00015; 1000 Genomes Project 30x 0.00016; ESP Exome Variant Server 0.00041.

Submissions (4):

Labcorp Genetics (formerly Invitae), Labcorp
Classification: Likely benign for Severe combined immunodeficiency due to DNA-PKcs deficiency. Last evaluated: 2026-01-23. Review status: criteria provided, single submitter. Criteria: Invitae Variant Classification Sherloc (09022015). Collection method: clinical testing. Allele origin: germline.

Blueprint Genetics
Classification: Likely benign. Last evaluated: 2024-10-23. Review status: criteria provided, single submitter. Criteria: ACMG Guidelines, 2015. Collection method: clinical testing. Allele origin: germline.

CeGaT Center for Human Genetics Tuebingen
Classification: Likely benign. Last evaluated: 2022-04-01. Review status: criteria provided, single submitter. Criteria: CeGaT Center For Human Genetics Tuebingen Variant Classification Criteria Version 2. Collection method: clinical testing. Allele origin: germline. Affected: yes. Observed: 2 variant alleles.
Comment: PRKDC: BP4

Dr. Peter K. Rogan Lab, Western University
No classification provided (evidence only). Condition: Melanoma. Review status: no classification provided. Collection method: in vitro. Allele origin: not applicable. Functional consequence: retained intron. Not counted in ClinVar's aggregate classification.

NM_006904.7(PRKDC):c.8274G>A (p.Lys2758=)

Gene: PRKDC (protein kinase, DNA-activated, catalytic subunit; minus strand). Cytogenetic location: 8q11.21.
Variant type: single nucleotide variant.
Coding change: c.8274G>A on transcript NM_006904.7 (MANE Select); coding-DNA position 8274, G replaced by A.
Protein change: p.Lys2758=; no amino-acid change (lysine 2758 retained).
Molecular consequence: synonymous variant.
Genome position (GRCh38, 1-based): chr8:47,830,728, C>T on the plus strand (G>A on the coding strand, the complement: PRKDC is on the minus strand). VCF-style: chr8-47830728-C-T. GRCh37 (hg19) VCF-style: chr8-48743289-C-T.
Other names: c.8274G>A, p.Lys2758= (NM_001081640.2).
Identifiers: ClinVar variation 779704 (VCV000779704.52), dbSNP rs148855050, ClinGen allele CA4739862.